The following is an entry in ClinVar:

ClinVar aggregate classification (germline): Uncertain significance (1 of 4 stars; one submission).

gnomAD v4.1: 1 of 1,614,142 alleles (0.000062%); highest among the groups gnomAD compares: Non-Finnish European, 0.000085%; no homozygotes.

Submission:

Labcorp Genetics (formerly Invitae), Labcorp
Classification: Uncertain significance. Last evaluated: 2021-04-21. Review status: criteria provided, single submitter. Criteria: Invitae Variant Classification Sherloc (09022015). Collection method: clinical testing. Allele origin: germline.
Comment: This variant has not been reported in the literature in individuals with ERCC6L2-related conditions. This variant is not present in population databases (ExAC no frequency). This sequence change replaces serine with threonine at codon 336 of the ERCC6L2 protein (p.Ser336Thr). The serine residue is moderately conserved and there is a small physicochemical difference between serine and threonine. Algorithms developed to predict the effect of missense changes on protein structure and function output the following: SIFT: "Tolerated"; PolyPhen-2: "Not Available"; Align-GVGD: "Class C0". The threonine amino acid residue is found in multiple mammalian species, suggesting that this missense change does not adversely affect protein function. These predictions have not been confirmed by published functional studies and their clinical significance is uncertain. In summary, the available evidence is currently insufficient to determine the role of this variant in disease. Therefore, it has been classified as a Variant of Uncertain Significance.

NM_020207.7(ERCC6L2):c.974G>C (p.Ser325Thr)

Gene: ERCC6L2 (ERCC excision repair 6 like 2; plus strand). Cytogenetic location: 9q22.32.
Variant type: single nucleotide variant.
Coding change: c.974G>C on transcript NM_020207.7 (MANE Select); coding-DNA position 974, G replaced by C.
Protein change: p.Ser325Thr; replaces serine 325 with threonine.
Molecular consequence: missense variant. On other transcripts: non-coding transcript variant (1).
Genome position (GRCh38, 1-based): chr9:95,916,250, G>C. VCF-style: chr9-95916250-G-C. GRCh37 (hg19) VCF-style: chr9-98678532-G-C.
Other names: c.974G>C, p.Ser325Thr (NM_001010895.4, NM_001375291.1, NM_001375292.1 and 2 more transcripts); short protein forms S325T.
Identifiers: ClinVar variation 1422887 (VCV001422887.8), dbSNP rs750848886, ClinGen allele CA374122652.
Genomic context (GRCh38, chr9:95,916,250, plus strand): 5'-ATAAAGCCCTTACATTTTTCTTATTGTCTTTATAAAGGGCTGTGCCAGGCCTTTTAGGGA[G>C]TGGGACCTACTTCAAGAAGCAGTTTTCTGACCCAGTAGAACATGGTCAGAGACACACGGC-3'
Protein context (NP_064592.3, residues 315-335): MDWAVPGLLG[Ser325Thr]GTYFKKQFSD